The following is an entry in ClinVar:

NM_000130.5(F5):c.4072T>C (p.Ser1358Pro)

Gene: F5 (coagulation factor V; minus strand). Cytogenetic location: 1q24.2.
Variant type: single nucleotide variant.
Coding change: c.4072T>C on transcript NM_000130.5 (MANE Select); coding-DNA position 4072, T replaced by C.
Protein change: p.Ser1358Pro; replaces serine 1358 with proline.
Molecular consequence: missense variant.
Genome position (GRCh38, 1-based): chr1:169,541,018, A>G on the plus strand (T>C on the coding strand, the complement: F5 is on the minus strand). VCF-style: chr1-169541018-A-G. GRCh37 (hg19) VCF-style: chr1-169510256-A-G.
Other names: short protein forms S1358P.
Identifiers: ClinVar variation 3023672 (VCV003023672.3), dbSNP rs2526389418, ClinGen allele CA343145771.

ClinVar aggregate classification (germline): Uncertain significance (1 of 4 stars; one submission).

Conditions:
Congenital factor V deficiency. Also called: Hereditary factor V deficiency disease; LABILE FACTOR DEFICIENCY; OWREN PARAHEMOPHILIA; PARAHEMOPHILIA. Identifiers: Orphanet 326, MedGen C0015499, MONDO:0009210, OMIM 227400.

Allele frequency attached by ClinVar (database versions not stated): gnomAD exomes below 0.00001.
gnomAD v4.1: 4 of 1,590,438 alleles (0.00025%); highest among the groups gnomAD compares: Non-Finnish European, 0.00034%; no homozygotes.

Submission:

Labcorp Genetics (formerly Invitae), Labcorp
Classification: Uncertain significance for Congenital factor V deficiency. Last evaluated: 2023-03-08. Review status: criteria provided, single submitter. Criteria: Invitae Variant Classification Sherloc (09022015). Collection method: clinical testing. Allele origin: germline.
Comment: In summary, the available evidence is currently insufficient to determine the role of this variant in disease. Therefore, it has been classified as a Variant of Uncertain Significance. Advanced modeling of protein sequence and biophysical properties (such as structural, functional, and spatial information, amino acid conservation, physicochemical variation, residue mobility, and thermodynamic stability) performed at Invitae indicates that this missense variant is not expected to disrupt F5 protein function. This variant has not been reported in the literature in individuals affected with F5-related conditions. This variant is not present in population databases (gnomAD no frequency). This sequence change replaces serine, which is neutral and polar, with proline, which is neutral and non-polar, at codon 1358 of the F5 protein (p.Ser1358Pro).